The following is an entry in ClinVar:

ClinVar aggregate classification (germline): Uncertain significance (1 of 4 stars; one submission).

Conditions:
Peroxisome biogenesis disorder. Identifiers: Orphanet 79189, MedGen C1832200, MONDO:0019234. Disease mechanism: loss of function.

Allele frequency attached by ClinVar (database versions not stated): TOPMed below 0.00001; gnomAD 0.00001.
gnomAD v4.1: 9 of 1,546,244 alleles (0.00058%); highest among the groups gnomAD compares: Non-Finnish European, 0.00078%; no homozygotes.

Submission:

Labcorp Genetics (formerly Invitae), Labcorp
Classification: Uncertain significance for Peroxisome biogenesis disorder. Last evaluated: 2021-06-03. Review status: criteria provided, single submitter. Criteria: Invitae Variant Classification Sherloc (09022015). Collection method: clinical testing. Allele origin: germline.
Comment: In summary, the available evidence is currently insufficient to determine the role of this variant in disease. Therefore, it has been classified as a Variant of Uncertain Significance. Algorithms developed to predict the effect of sequence changes on RNA splicing suggest that this variant may create or strengthen a splice site, but this prediction has not been confirmed by published transcriptional studies. Algorithms developed to predict the effect of missense changes on protein structure and function are either unavailable or do not agree on the potential impact of this missense change (SIFT: "Tolerated"; PolyPhen-2: "Possibly Damaging"; Align-GVGD: "Class C0"). This variant has not been reported in the literature in individuals with PEX16-related conditions. This variant is not present in population databases (ExAC no frequency). This sequence change replaces arginine with serine at codon 10 of the PEX16 protein (p.Arg10Ser). The arginine residue is moderately conserved and there is a moderate physicochemical difference between arginine and serine.

NM_004813.4(PEX16):c.28C>A (p.Arg10Ser)

Gene: PEX16 (peroxisomal biogenesis factor 16; minus strand). Cytogenetic location: 11p11.2.
Variant type: single nucleotide variant.
Coding change: c.28C>A on transcript NM_004813.4 (MANE Select); coding-DNA position 28, C replaced by A.
Protein change: p.Arg10Ser; replaces arginine 10 with serine.
Molecular consequence: missense variant.
Genome position (GRCh38, 1-based): chr11:45,917,784, G>T on the plus strand (C>A on the coding strand, the complement: PEX16 is on the minus strand). VCF-style: chr11-45917784-G-T. GRCh37 (hg19) VCF-style: chr11-45939335-G-T.
Other names: c.28C>A, p.Arg10Ser (NM_057174.3); short protein forms R10S.
Identifiers: ClinVar variation 1358788 (VCV001358788.6), dbSNP rs2086854956, ClinGen allele CA380231169.